The following is an entry in ClinVar:

ClinVar aggregate classification (germline): Uncertain significance. Review status: criteria provided, multiple submitters, no conflicts (2 of 4 stars). 2 submissions from 2 submitters: Uncertain significance (2). Last evaluated 2025-08-20.

Conditions:
Inborn genetic diseases. Identifiers: MedGen C0950123, MeSH D030342.
MGAT2-congenital disorder of glycosylation. Also called: MGAT2-CDG; Congenital disorder of glycosylation, type IIa; MENTAL RETARDATION, GROWTH RETARDATION, PROMINENT COLUMELLA, AND OPEN MOUTH; Alkuraya syndrome; CDG IIa. Identifiers: Orphanet 79329, MedGen C2931008, MONDO:0008908, OMIM 212066.

Allele frequency attached by ClinVar (database versions not stated): TOPMed 0.00006; gnomAD 0.00010; ExAC 0.00012.

Submissions (2):

Labcorp Genetics (formerly Invitae), Labcorp
Classification: Uncertain significance for MGAT2-congenital disorder of glycosylation. Last evaluated: 2025-08-20. Review status: criteria provided, single submitter. Criteria: Invitae Variant Classification Sherloc (09022015). Collection method: clinical testing. Allele origin: germline.
Comment: This sequence change replaces asparagine, which is neutral and polar, with serine, which is neutral and polar, at codon 146 of the MGAT2 protein (p.Asn146Ser). This variant is present in population databases (rs778091454, gnomAD 0.1%). This variant has not been reported in the literature in individuals affected with MGAT2-related conditions. ClinVar contains an entry for this variant (Variation ID: 2410855). Invitae Evidence Modeling of protein sequence and biophysical properties (such as structural, functional, and spatial information, amino acid conservation, physicochemical variation, residue mobility, and thermodynamic stability) indicates that this missense variant is not expected to disrupt MGAT2 protein function with a negative predictive value of 80%. In summary, the available evidence is currently insufficient to determine the role of this variant in disease. Therefore, it has been classified as a Variant of Uncertain Significance.

Ambry Genetics
Classification: Uncertain significance for Inborn genetic diseases. Last evaluated: 2025-05-06. Review status: criteria provided, single submitter. Criteria: Ambry Variant Classification Scheme 2023. Collection method: clinical testing. Allele origin: germline.

NM_002408.4(MGAT2):c.437A>G (p.Asn146Ser)

Gene: MGAT2 (alpha-1,6-mannosyl-glycoprotein 2-beta-N-acetylglucosaminyltransferase; plus strand). Cytogenetic location: 14q21.3.
Variant type: single nucleotide variant.
Coding change: c.437A>G on transcript NM_002408.4 (MANE Select); coding-DNA position 437, A replaced by G.
Protein change: p.Asn146Ser; replaces asparagine 146 with serine.
Molecular consequence: missense variant.
Genome position (GRCh38, 1-based): chr14:49,621,705, A>G. VCF-style: chr14-49621705-A-G. GRCh37 (hg19) VCF-style: chr14-50088423-A-G.
Other names: short protein forms N146S.
Identifiers: ClinVar variation 2410855 (VCV002410855.4), dbSNP rs778091454, ClinGen allele CA7172547.